The following is an entry in ClinVar:

NM_006662.3(SRCAP):c.8459C>T (p.Pro2820Leu)

Gene: SRCAP (Snf2 related CREBBP activator protein; plus strand). Cytogenetic location: 16p11.2.
Variant type: single nucleotide variant.
Coding change: c.8459C>T on transcript NM_006662.3 (MANE Select); coding-DNA position 8459, C replaced by T.
Protein change: p.Pro2820Leu; replaces proline 2820 with leucine.
Molecular consequence: missense variant.
Genome position (GRCh38, 1-based): chr16:30,738,499, C>T. VCF-style: chr16-30738499-C-T. GRCh37 (hg19) VCF-style: chr16-30749820-C-T.
Other names: short protein forms P2820L.
Identifiers: ClinVar variation 2152963 (VCV002152963.5), dbSNP rs149290863, ClinGen allele CA8012699.

ClinVar aggregate classification (germline): Uncertain significance. Review status: criteria provided, multiple submitters, no conflicts (2 of 4 stars). 2 submissions from 2 submitters: Uncertain significance (2). Last evaluated 2025-11-02.

Conditions:
Developmental delay, hypotonia, musculoskeletal defects, and behavioral abnormalities. Identifiers: MedGen C5562012, MONDO:0859202, OMIM 619595.
Floating-Harbor syndrome (FLHS). Also called: Short stature with delayed bone age, expressive language delay, a triangular face with a prominent nose and deep-set eyes; Pelletier-Leisti syndrome; SRCAP-Related Floating-Harbor Syndrome. Identifiers: Orphanet 2044, MedGen C0729582, MONDO:0007621, OMIM 136140.

Allele frequency attached by ClinVar (database versions not stated): ExAC 0.00003; gnomAD 0.00004; TOPMed 0.00005; gnomAD exomes 0.00006; ESP Exome Variant Server 0.00008.

Submissions (2):

Labcorp Genetics (formerly Invitae), Labcorp
Classification: Uncertain significance. Last evaluated: 2025-11-02. Review status: criteria provided, single submitter. Criteria: Invitae Variant Classification Sherloc (09022015). Collection method: clinical testing. Allele origin: germline.
Comment: This sequence change replaces proline, which is neutral and non-polar, with leucine, which is neutral and non-polar, at codon 2820 of the SRCAP protein (p.Pro2820Leu). This variant is present in population databases (rs149290863, gnomAD 0.008%). This variant has not been reported in the literature in individuals affected with SRCAP-related conditions. ClinVar contains an entry for this variant (Variation ID: 2152963). Invitae Evidence Modeling of protein sequence and biophysical properties (such as structural, functional, and spatial information, amino acid conservation, physicochemical variation, residue mobility, and thermodynamic stability) indicates that this missense variant is not expected to disrupt SRCAP protein function with a negative predictive value of 80%. In summary, the available evidence is currently insufficient to determine the role of this variant in disease. Therefore, it has been classified as a Variant of Uncertain Significance.

Fulgent Genetics
Classification: Uncertain significance for Floating-Harbor syndrome; Developmental delay, hypotonia, musculoskeletal defects, and behavioral abnormalities. Last evaluated: 2024-03-27. Review status: criteria provided, single submitter. Criteria: ACMG Guidelines, 2015. Collection method: clinical testing. Allele origin: germline.